The following is an entry in ClinVar:

ClinVar aggregate classification (germline): Uncertain significance (1 of 4 stars; one submission).

Submission:

GeneDx
Classification: Uncertain significance. Last evaluated: 2026-04-09. Review status: criteria provided, single submitter. Criteria: GeneDx Variant Classification Process June 2021. Collection method: clinical testing. Allele origin: germline.
Comment: Located in a regulatory region; in the absence of functional studies, the actual effect of this sequence change is unknown; No data available from control populations to assess the frequency of this variant; Has not been previously published as pathogenic or benign to our knowledge

NC_000020.11:g.44355661G>A

Gene: HNF4A (hepatocyte nuclear factor 4 alpha; plus strand). Cytogenetic location: 20q13.12.
Variant type: single nucleotide variant.
Genome position: GRCh38 VCF-style: chr20-44355661-G-A. GRCh37 (hg19) VCF-style: chr20-42984301-G-A.
Identifiers: ClinVar variation 5018243 (VCV005018243.1).